The following is an entry in ClinVar:

ClinVar aggregate classification (germline): Likely pathogenic (1 of 4 stars; one submission).

Conditions:
TYR-related disorder. Also called: TYR-related condition.

gnomAD v4.1: 2 of 1,613,350 alleles (0.00012%); highest among the groups gnomAD compares: Non-Finnish European, 0.00017%; no homozygotes.

Submission:

PreventionGenetics, part of Exact Sciences
Classification: Likely pathogenic for TYR-related condition. Last evaluated: 2025-04-04. Review status: criteria provided, single submitter. Criteria: ACMG Guidelines, 2015. Collection method: clinical testing. Allele origin: germline.
Comment: The TYR c.1082G>T variant is predicted to result in the amino acid substitution p.Ser361Ile. This variant has been reported along with a TYR nonsense variant in an individual with albinism (Wei et al. 2022. PubMed ID: 34838614). An alternate substitution of this amino acid residue (p.Ser361Arg) has been reported in the compound heterozygous state in an individual with oculocutaneous albinism (Summers et al. 1996. PubMed ID: 8644824). This variant is absent in a large population database (gnomAD), indicating this variant is rare. This variant is interpreted as likely pathogenic.

NM_000372.5(TYR):c.1082G>T (p.Ser361Ile)

Gene: TYR (tyrosinase; plus strand). Cytogenetic location: 11q14.3.
Variant type: single nucleotide variant.
Coding change: c.1082G>T on transcript NM_000372.5 (MANE Select); coding-DNA position 1082, G replaced by T.
Protein change: p.Ser361Ile; replaces serine 361 with isoleucine.
Molecular consequence: missense variant.
Genome position (GRCh38, 1-based): chr11:89,227,868, G>T. VCF-style: chr11-89227868-G-T. GRCh37 (hg19) VCF-style: chr11-88961036-G-T.
Other names: short protein forms S361I.
Identifiers: ClinVar variation 4997025 (VCV004997025.1).